The following is an entry in ClinVar:

ClinVar aggregate classification (germline): Pathogenic/Likely pathogenic. Review status: criteria provided, multiple submitters, no conflicts (2 of 4 stars). 2 submissions from 2 submitters: Pathogenic (1); Likely pathogenic (1). Last evaluated 2025-06-09.

Conditions:
MPI-congenital disorder of glycosylation. Also called: MPI DEFICIENCY; CONGENITAL DISORDER OF GLYCOSYLATION, TYPE Ib; MPI-CDG; CDG Ib; MANNOSEPHOSPHATE ISOMERASE DEFICIENCY; PROTEIN-LOSING ENTEROPATHY-HEPATIC FIBROSIS SYNDROME. Identifiers: Orphanet 79319, MedGen C1865145, MONDO:0011257, OMIM 602579.

Submissions (2):

Natera, Inc.
Classification: Likely pathogenic for Congenital disorder of glycosylation type 1b. Last evaluated: 2025-06-09. Review status: criteria provided, single submitter. Criteria: Natera Variant Classification Schema (03/2026). Collection method: clinical testing. Allele origin: germline.
Comment: The c.1120C>T variant in MPI is a nonsense variant predicted to introduce a stop codon at amino acid 374. This variant is expected to result in nonsense mediated decay, truncation, or a dysfunctional protein product. This variant is rare in the general population with a frequency below the threshold expected for the associated phenotype(s). Given the available evidence, this variant is classified as Likely Pathogenic.

Labcorp Genetics (formerly Invitae), Labcorp
Classification: Pathogenic for MPI-congenital disorder of glycosylation. Last evaluated: 2023-02-01. Review status: criteria provided, single submitter. Criteria: Invitae Variant Classification Sherloc (09022015). Collection method: clinical testing. Allele origin: germline.
Comment: For these reasons, this variant has been classified as Pathogenic. This variant disrupts a region of the MPI protein in which other variant(s) (p.Ile398Thr) have been determined to be pathogenic (PMID: 10484808, 30545931). This suggests that this is a clinically significant region of the protein, and that variants that disrupt it are likely to be disease-causing. This variant has not been reported in the literature in individuals affected with MPI-related conditions. This variant is not present in population databases (gnomAD no frequency). This sequence change creates a premature translational stop signal (p.Gln374*) in the MPI gene. While this is not anticipated to result in nonsense mediated decay, it is expected to disrupt the last 50 amino acid(s) of the MPI protein.

Literature cited by the submitters: PubMed 10484808 (cited by Labcorp Genetics (formerly Invitae), Labcorp); PubMed 30545931 (cited by Labcorp Genetics (formerly Invitae), Labcorp).

NM_002435.3(MPI):c.1120C>T (p.Gln374Ter)

Gene: MPI (mannose phosphate isomerase; plus strand). Cytogenetic location: 15q24.1.
Variant type: single nucleotide variant.
Coding change: c.1120C>T on transcript NM_002435.3 (MANE Select); coding-DNA position 1120, C replaced by T.
Protein change: p.Gln374Ter; replaces glutamine 374 with a stop codon.
Molecular consequence: nonsense. On other transcripts: 3 prime UTR variant (1).
Genome position (GRCh38, 1-based): chr15:74,897,578, C>T. VCF-style: chr15-74897578-C-T. GRCh37 (hg19) VCF-style: chr15-75189919-C-T.
Other names: c.*47C>T (NM_001289155.2); c.970C>T, p.Gln324Ter (NM_001289156.2); c.937C>T, p.Gln313Ter (NM_001289157.2); c.1060C>T, p.Gln354Ter (NM_001330372.2); c.1120C>T (NM_002435.2); short protein forms Q313*, Q354*, Q374*, Q324*.
Identifiers: ClinVar variation 2994645 (VCV002994645.4), dbSNP rs2064840759, ClinGen allele CA393179155.
Genomic context (GRCh38, chr15:74,897,578, plus strand): 5'-GGCTCTGTCACTGAATACAAGGTCTTGGCACTGGACTCTGCCAGCATCCTCCTGATGGTA[C>T]AGGGGACAGTAATAGCCAGCACACCCACAACCCAGACACCAATCCCTCTGCAACGTGGTG-3'